The following is an entry in ClinVar:

ClinVar aggregate classification (germline): Uncertain significance (1 of 4 stars; one submission).

Submission:

Labcorp Genetics (formerly Invitae), Labcorp
Classification: Uncertain significance. Last evaluated: 2023-05-23. Review status: criteria provided, single submitter. Criteria: Invitae Variant Classification Sherloc (09022015). Collection method: clinical testing. Allele origin: germline.
Comment: This variant has not been reported in the literature in individuals affected with TCF3-related conditions. The TCF3 gene has multiple clinically relevant transcripts. This variant occurs in alternate transcript NM_001136139.3, and corresponds to NM_003200.4:c.1823-400C>T in the primary transcript. This sequence change creates a premature translational stop signal (p.Gln591*) in the TCF3 gene. However, it is currently unclear if variants that occur in this region of the gene cause disease. This variant is not present in population databases (gnomAD no frequency). ClinVar contains an entry for this variant (Variation ID: 1540469). Algorithms developed to predict the effect of sequence changes on RNA splicing suggest that this variant is not likely to affect RNA splicing. In summary, the available evidence is currently insufficient to determine the role of this variant in disease. Therefore, it has been classified as a Variant of Uncertain Significance.

NM_001136139.4(TCF3):c.1771C>T (p.Gln591Ter)

Gene: TCF3 (transcription factor 3; minus strand). Cytogenetic location: 19p13.3.
Variant type: single nucleotide variant.
Coding change: c.1771C>T on transcript NM_001136139.4 (MANE Plus Clinical); coding-DNA position 1771, C replaced by T.
Protein change: p.Gln591Ter; replaces glutamine 591 with a stop codon.
Molecular consequence: nonsense. On other transcripts: intron variant (2).
Genome position (GRCh38, 1-based): chr19:1,612,249, G>A on the plus strand (C>T on the coding strand, the complement: TCF3 is on the minus strand). VCF-style: chr19-1612249-G-A. GRCh37 (hg19) VCF-style: chr19-1612248-G-A.
Other names: c.1771C>T, p.Gln591Ter (NM_001351779.2); c.1820-400C>T (NM_001351778.2); c.1823-400C>T (NM_003200.5); short protein forms Q591*.
Identifiers: ClinVar variation 1540469 (VCV001540469.8), dbSNP rs2145732823, ClinGen allele CA403048415.